The following is an entry in ClinVar:

NM_001384479.1(AGT):c.914C>G (p.Ser305Cys)

Gene: AGT (angiotensinogen; minus strand). Cytogenetic location: 1q42.2.
Variant type: single nucleotide variant.
Coding change: c.914C>G on transcript NM_001384479.1 (MANE Select); coding-DNA position 914, C replaced by G.
Protein change: p.Ser305Cys; replaces serine 305 with cysteine.
Molecular consequence: missense variant.
Genome position (GRCh38, 1-based): chr1:230,706,116, G>C on the plus strand (C>G on the coding strand, the complement: AGT is on the minus strand). VCF-style: chr1-230706116-G-C. GRCh37 (hg19) VCF-style: chr1-230841862-G-C.
Other names: c.914C>G, p.Ser305Cys (NM_001382817.3); short protein forms S305C.
Identifiers: ClinVar variation 2067404 (VCV002067404.4), dbSNP rs1478226147, ClinGen allele CA345204476.

ClinVar aggregate classification (germline): Uncertain significance (1 of 4 stars; one submission).

Allele frequency attached by ClinVar (database versions not stated): TOPMed below 0.00001; gnomAD exomes 0.00001.
gnomAD v4.1: 5 of 1,614,072 alleles (0.00031%); highest among the groups gnomAD compares: Non-Finnish European, 0.00042%; no homozygotes.

Submission:

Labcorp Genetics (formerly Invitae), Labcorp
Classification: Uncertain significance. Last evaluated: 2022-11-01. Review status: criteria provided, single submitter. Criteria: Invitae Variant Classification Sherloc (09022015). Collection method: clinical testing. Allele origin: germline.
Comment: In summary, the available evidence is currently insufficient to determine the role of this variant in disease. Therefore, it has been classified as a Variant of Uncertain Significance. Algorithms developed to predict the effect of missense changes on protein structure and function (SIFT, PolyPhen-2, Align-GVGD) all suggest that this variant is likely to be disruptive. This variant has not been reported in the literature in individuals affected with AGT-related conditions. This variant is not present in population databases (gnomAD no frequency). This sequence change replaces serine, which is neutral and polar, with cysteine, which is neutral and slightly polar, at codon 314 of the AGT protein (p.Ser314Cys).